The following is an entry in ClinVar:

NM_005859.5(PURA):c.851A>C (p.Lys284Thr)

Gene: PURA (purine rich element binding protein A; plus strand). Cytogenetic location: 5q31.3.
Variant type: single nucleotide variant.
Coding change: c.851A>C on transcript NM_005859.5 (MANE Select); coding-DNA position 851, A replaced by C.
Protein change: p.Lys284Thr; replaces lysine 284 with threonine.
Molecular consequence: missense variant.
Genome position (GRCh38, 1-based): chr5:140,115,032, A>C. VCF-style: chr5-140115032-A-C. GRCh37 (hg19) VCF-style: chr5-139494617-A-C.
Other names: short protein forms K284T.
Identifiers: ClinVar variation 3014207 (VCV003014207.3), dbSNP rs2479506304, ClinGen allele CA361491694.

ClinVar aggregate classification (germline): Uncertain significance (1 of 4 stars; one submission).

Conditions:
PURA-related severe neonatal hypotonia-seizures-encephalopathy syndrome (NEDRIHF). Also called: PURA-Related Neurodevelopmental Disorders; NEURODEVELOPMENTAL DISORDER WITH NEONATAL RESPIRATORY INSUFFICIENCY, HYPOTONIA, AND FEEDING DIFFICULTIES. Identifiers: Orphanet 438213, Orphanet 438216, MedGen C4015357, MONDO:1060108, OMIM 616158, MONDO:0018580.

Submission:

Labcorp Genetics (formerly Invitae), Labcorp
Classification: Uncertain significance for PURA-related severe neonatal hypotonia-seizures-encephalopathy syndrome. Last evaluated: 2023-12-17. Review status: criteria provided, single submitter. Criteria: Invitae Variant Classification Sherloc (09022015). Collection method: clinical testing. Allele origin: germline.
Comment: This sequence change replaces lysine, which is basic and polar, with threonine, which is neutral and polar, at codon 284 of the PURA protein (p.Lys284Thr). This variant is not present in population databases (gnomAD no frequency). This variant has not been reported in the literature in individuals affected with PURA-related conditions. Advanced modeling of protein sequence and biophysical properties (such as structural, functional, and spatial information, amino acid conservation, physicochemical variation, residue mobility, and thermodynamic stability) performed at Invitae indicates that this missense variant is not expected to disrupt PURA protein function with a negative predictive value of 80%. In summary, the available evidence is currently insufficient to determine the role of this variant in disease. Therefore, it has been classified as a Variant of Uncertain Significance.